The following is an entry in ClinVar:

NM_138420.4(AHNAK2):c.15748C>T (p.Leu5250Phe)

Gene: AHNAK2 (AHNAK nucleoprotein 2; minus strand). Cytogenetic location: 14q32.33.
Variant type: single nucleotide variant.
Coding change: c.15748C>T on transcript NM_138420.4 (MANE Select); coding-DNA position 15748, C replaced by T.
Protein change: p.Leu5250Phe; replaces leucine 5250 with phenylalanine.
Molecular consequence: missense variant.
Genome position (GRCh38, 1-based): chr14:104,939,703, G>A on the plus strand (C>T on the coding strand, the complement: AHNAK2 is on the minus strand). VCF-style: chr14-104939703-G-A. GRCh37 (hg19) VCF-style: chr14-105406040-G-A.
Other names: c.15448C>T, p.Leu5150Phe (NM_001350929.2); short protein forms L5150F, L5250F.
Identifiers: ClinVar variation 4839658 (VCV004839658.1).

ClinVar aggregate classification (germline): Uncertain significance (1 of 4 stars; one submission).

gnomAD v4.1: 13 of 1,613,784 alleles (0.00081%); highest among the groups gnomAD compares: African/African-American, 0.012%; no homozygotes.

Submission:

Ambry Genetics
Classification: Uncertain significance. Last evaluated: 2026-01-21. Review status: criteria provided, single submitter. Criteria: Ambry Variant Classification Scheme 2023. Collection method: clinical testing. Allele origin: germline.
Comment: The c.15748C>T (p.L5250F) alteration is located in exon 7 (coding exon 7) of the AHNAK2 gene. This alteration results from a C to T substitution at nucleotide position 15748, causing the leucine (L) at amino acid position 5250 to be replaced by a phenylalanine (F). Based on data from gnomAD, the T allele has an overall frequency of <0.001% (1/249248) total alleles studied. The highest observed frequency was 0.007% (1/15484) of African alleles. Based on insufficient or conflicting evidence, the clinical significance of this alteration remains unclear.